The following is an entry in ClinVar:

ClinVar aggregate classification (germline): Uncertain significance. Review status: criteria provided, multiple submitters, no conflicts (2 of 4 stars). 4 submissions from 4 submitters: Uncertain significance (4). Last evaluated 2025-03-14.

Conditions:
Hereditary cancer-predisposing syndrome. Also called: Neoplastic Syndromes, Hereditary; Hereditary Cancer Syndrome; Hereditary neoplastic syndrome; Tumor predisposition. Identifiers: Orphanet 140162, MedGen C0027672, MeSH D009386, MONDO:0015356.
Familial adenomatous polyposis 1 (FAP1). Also called: FAMILIAL ADENOMATOUS POLYPOSIS 1, ATTENUATED; POLYPOSIS, ADENOMATOUS INTESTINAL. Identifiers: MedGen C2713442, MONDO:0021056, OMIM 175100. Disease mechanism: loss of function.
Gastric adenocarcinoma and proximal polyposis of the stomach (GAPPS). Also called: POLYPOSIS, GASTRIC; Gastric Adenocarcinoma and Proximal Polyposis of the Stomach (GAPPS); Polyposis, gastric, Dos Santos and de Magalhaes 1980. Identifiers: Orphanet 314022, MedGen C4749917, MONDO:0017790, OMIM 619182.
Desmoid disease, hereditary (DESMD). Also called: FIBROMATOSIS, FAMILIAL INFILTRATIVE. Identifiers: Orphanet 873, MedGen C1851124, OMIM 135290. Disease mechanism: loss of function.
Hepatocellular carcinoma (HCC). Also called: Primary carcinoma of liver; HEPATOMA; LIVER CELL CARCINOMA. Identifiers: Orphanet 88673, MedGen C2239176, MONDO:0007256, OMIM 114550, HP:0001402.
Gastric cancer. Also called: Malignant tumor of stomach; Stomach cancer. Identifiers: MedGen C0024623, MeSH D013274, MONDO:0001056, OMIM 613659, HP:0012126.
Colorectal cancer. Also called: Malignant Colorectal Neoplasm; Colorectal cancer, somatic. Identifiers: MedGen C0346629, MONDO:0005575, OMIM 114500.

Allele frequency attached by ClinVar (database versions not stated): gnomAD exomes below 0.00001.
gnomAD v4.1: 3 of 1,614,084 alleles (0.00019%); highest among the groups gnomAD compares: Non-Finnish European, 0.00025%; no homozygotes.

Submissions (4):

Ambry Genetics
Classification: Uncertain significance for Hereditary cancer-predisposing syndrome. Last evaluated: 2025-03-14. Review status: criteria provided, single submitter. Criteria: Ambry Variant Classification Scheme 2023. Collection method: clinical testing. Allele origin: germline.
Comment: The p.S339G variant (also known as c.1015A>G), located in coding exon 9 of the APC gene, results from an A to G substitution at nucleotide position 1015. The serine at codon 339 is replaced by glycine, an amino acid with similar properties. This amino acid position is highly conserved in available vertebrate species. In addition, in silico predictors for this gene do not accurately predict pathogenicity. Missense alterations in APC are not a common cause of disease (Spier I et al. Genet Med. 2024 Feb;26(2):100992). Based on the available evidence, the clinical significance of this variant remains unclear.

Fulgent Genetics
Classification: Uncertain significance for Colorectal cancer; Hepatocellular carcinoma; Desmoid disease, hereditary; Familial adenomatous polyposis 1; Gastric cancer; Gastric adenocarcinoma and proximal polyposis of the stomach. Last evaluated: 2024-06-06. Review status: criteria provided, single submitter. Criteria: ACMG Guidelines, 2015. Collection method: clinical testing. Allele origin: germline.

Labcorp Genetics (formerly Invitae), Labcorp
Classification: Uncertain significance for Familial adenomatous polyposis 1. Last evaluated: 2024-05-02. Review status: criteria provided, single submitter. Criteria: Invitae Variant Classification Sherloc (09022015). Collection method: clinical testing. Allele origin: germline.
Comment: This sequence change replaces serine, which is neutral and polar, with glycine, which is neutral and non-polar, at codon 339 of the APC protein (p.Ser339Gly). This variant is not present in population databases (gnomAD no frequency). This variant has not been reported in the literature in individuals affected with APC-related conditions. ClinVar contains an entry for this variant (Variation ID: 411433). Advanced modeling of protein sequence and biophysical properties (such as structural, functional, and spatial information, amino acid conservation, physicochemical variation, residue mobility, and thermodynamic stability) performed at Invitae indicates that this missense variant is not expected to disrupt APC protein function with a negative predictive value of 95%. In summary, the available evidence is currently insufficient to determine the role of this variant in disease. Therefore, it has been classified as a Variant of Uncertain Significance.

Color Diagnostics, LLC DBA Color Health
Classification: Uncertain significance for Hereditary cancer-predisposing syndrome. Last evaluated: 2019-05-31. Review status: criteria provided, single submitter. Criteria: ACMG Guidelines, 2015. Collection method: clinical testing. Allele origin: germline.

NM_000038.6(APC):c.1015A>G (p.Ser339Gly)

Gene: APC (APC regulator of Wnt signaling pathway; plus strand). Cytogenetic location: 5q22.2.
Variant type: single nucleotide variant.
Coding change: c.1015A>G on transcript NM_000038.6 (MANE Select); coding-DNA position 1015, A replaced by G.
Protein change: p.Ser339Gly; replaces serine 339 with glycine.
Molecular consequence: missense variant. On other transcripts: intron variant (4).
Genome position (GRCh38, 1-based): chr5:112,819,047, A>G. VCF-style: chr5-112819047-A-G. GRCh37 (hg19) VCF-style: chr5-112154744-A-G.
Other names: c.1015A>G, p.Ser339Gly (NM_001127510.3, NM_001354895.2, NM_001354896.2); c.961A>G, p.Ser321Gly (NM_001127511.3); c.1045A>G, p.Ser349Gly (NM_001354897.2); c.940A>G, p.Ser314Gly (NM_001354898.2); c.931A>G, p.Ser311Gly (NM_001354899.2); c.838A>G, p.Ser280Gly (NM_001354900.2, NM_001354901.2); c.166A>G, p.Ser56Gly (NM_001354906.2); c.964-222A>G (NM_001354902.2); and 3 more; short protein forms S321G, S339G, S280G, S314G, S56G, S311G, S349G.
Identifiers: ClinVar variation 411433 (VCV000411433.15), dbSNP rs1060503301, ClinGen allele CA16023530.